The following is an entry in ClinVar:

ClinVar aggregate classification (germline): Uncertain significance (1 of 4 stars; one submission).

Conditions:
Joubert syndrome 23 (JBTS23). Identifiers: Orphanet 475, MedGen C4084822, MONDO:0014664, OMIM 616490.
Short-rib thoracic dysplasia 14 with polydactyly (SRTD14). Identifiers: Orphanet 397715, MedGen C4225286, MONDO:0014688, OMIM 616546.

Allele frequency attached by ClinVar (database versions not stated): gnomAD exomes below 0.00001; ExAC 0.00001; TOPMed 0.00002; ESP Exome Variant Server 0.00008.
gnomAD v4.1: 4 of 1,576,130 alleles (0.00025%); highest among the groups gnomAD compares: Non-Finnish European, 0.00034%; no homozygotes.

Submission:

Labcorp Genetics (formerly Invitae), Labcorp
Classification: Uncertain significance for Joubert syndrome 23; Short-rib thoracic dysplasia 14 with polydactyly. Last evaluated: 2023-12-22. Review status: criteria provided, single submitter. Criteria: Invitae Variant Classification Sherloc (09022015). Collection method: clinical testing. Allele origin: germline.
Comment: This sequence change replaces serine, which is neutral and polar, with cysteine, which is neutral and slightly polar, at codon 1090 of the KIAA0586 protein (p.Ser1090Cys). This variant is present in population databases (rs367811307, gnomAD 0.001%). This variant has not been reported in the literature in individuals affected with KIAA0586-related conditions. ClinVar contains an entry for this variant (Variation ID: 1473624). Advanced modeling of protein sequence and biophysical properties (such as structural, functional, and spatial information, amino acid conservation, physicochemical variation, residue mobility, and thermodynamic stability) performed at Invitae indicates that this missense variant is not expected to disrupt KIAA0586 protein function with a negative predictive value of 80%. In summary, the available evidence is currently insufficient to determine the role of this variant in disease. Therefore, it has been classified as a Variant of Uncertain Significance.

NM_001329943.3(KIAA0586):c.3110C>G (p.Ser1037Cys)

Gene: KIAA0586 (KIAA0586; plus strand). Cytogenetic location: 14q23.1.
Variant type: single nucleotide variant.
Coding change: c.3110C>G on transcript NM_001329943.3 (MANE Select); coding-DNA position 3110, C replaced by G.
Protein change: p.Ser1037Cys; replaces serine 1037 with cysteine.
Molecular consequence: missense variant.
Genome position (GRCh38, 1-based): chr14:58,482,678, C>G. VCF-style: chr14-58482678-C-G. GRCh37 (hg19) VCF-style: chr14-58949396-C-G.
Other names: c.3269C>G, p.Ser1090Cys (NM_001244189.2); c.3065C>G, p.Ser1022Cys (NM_001244190.2); c.2855C>G, p.Ser952Cys (NM_001244191.2, NM_001329945.2, NM_001364700.1 and 1 more transcripts); c.2978C>G, p.Ser993Cys (NM_001244192.2); c.2690C>G, p.Ser897Cys (NM_001244193.2); c.3110C>G, p.Ser1037Cys (NM_001329944.2, NM_001329946.2, NM_001329947.2); c.2882C>G, p.Ser961Cys (NM_014749.5); short protein forms S1037C, S1090C, S1022C, S897C, S961C, S993C, S952C.
Identifiers: ClinVar variation 1473624 (VCV001473624.6), dbSNP rs367811307, ClinGen allele CA7206054.
Genomic context (GRCh38, chr14:58,482,678, plus strand): 5'-TTGCTGTCATGCTGGGTGACAGAGAAGCAAAGAAGCAAGGTCCTGTTGCTACAGGTGTTT[C>G]TGGGGATGCTTCAACAAATGAAACATATTTGCCGGTATGGGGAATTTTTGAGACATTTAT-3'
Protein context (NP_001316872.1, residues 1027-1047): KKQGPVATGV[Ser1037Cys]GDASTNETYL